The following is an entry in ClinVar:

ClinVar aggregate classification (germline): Likely benign (1 of 4 stars; one submission).

Conditions:
KCNA6-related condition.

gnomAD v4.1: 34 of 1,613,990 alleles (0.0021%); highest among the groups gnomAD compares: African/African-American, 0.029%; no homozygotes.

Submission:

PreventionGenetics, part of Exact Sciences
Classification: Likely benign for KCNA6-related condition. Last evaluated: 2026-04-06. Review status: criteria provided, single submitter. Criteria: ACMG Guidelines, 2015. Collection method: clinical testing. Allele origin: germline.
Comment: This variant is classified as likely benign based on ACMG/AMP sequence variant interpretation guidelines (Richards et al. 2015 PMID: 25741868, with internal and published modifications).

NM_002235.5(KCNA6):c.268C>A (p.Arg90=)

Genes: KCNA6 (potassium voltage-gated channel subfamily A member 6; plus strand), KCNA6-AS1 (KCNA6 antisense RNA 1; minus strand). Cytogenetic location: 12p13.32.
Variant type: single nucleotide variant.
Coding change: c.268C>A on transcript NM_002235.5 (MANE Select); coding-DNA position 268, C replaced by A.
Protein change: p.Arg90=; no amino-acid change (arginine 90 retained).
Molecular consequence: synonymous variant. On other transcripts: non-coding transcript variant (3).
Genome position (GRCh38, 1-based): chr12:4,810,309, C>A. VCF-style: chr12-4810309-C-A. GRCh37 (hg19) VCF-style: chr12-4919475-C-A.
Identifiers: ClinVar variation 4996592 (VCV004996592.1).